The following is an entry in ClinVar:

NM_005422.4(TECTA):c.4066G>A (p.Gly1356Arg)

Genes: TBCEL-TECTA (TBCEL-TECTA readthrough; plus strand), TECTA (tectorin alpha; plus strand). Cytogenetic location: 11q23.3.
Variant type: single nucleotide variant.
Coding change: c.4066G>A on transcript NM_005422.4 (MANE Select); coding-DNA position 4066, G replaced by A.
Protein change: p.Gly1356Arg; replaces glycine 1356 with arginine.
Molecular consequence: missense variant.
Genome position (GRCh38, 1-based): chr11:121,146,077, G>A. VCF-style: chr11-121146077-G-A. GRCh37 (hg19) VCF-style: chr11-121016786-G-A.
Other names: c.5023G>A, p.Gly1675Arg (NM_001378761.1); short protein forms G1675R, G1356R.
Identifiers: ClinVar variation 5007806 (VCV005007806.2).

ClinVar aggregate classification (germline): Uncertain significance (1 of 4 stars; one submission).

Conditions:
Autosomal recessive nonsyndromic hearing loss 21. Identifiers: Orphanet 90636, MedGen C1863655, MONDO:0011351, OMIM 603629.
Autosomal dominant nonsyndromic hearing loss 12. Also called: DEAFNESS, AUTOSOMAL DOMINANT 8. Identifiers: Orphanet 90635, MedGen C1832187, MONDO:0011102, OMIM 601543.

gnomAD v4.1: 1 of 1,612,372 alleles (0.000062%); highest among the groups gnomAD compares: Non-Finnish European, 0.000085%; no homozygotes.

Submission:

Juno Genomics, Hangzhou Juno Genomics, Inc
Classification: Uncertain significance for Autosomal dominant nonsyndromic hearing loss 12; Autosomal recessive nonsyndromic hearing loss 21. Review status: criteria provided, single submitter. Criteria: ACMG Guidelines, 2015. Collection method: clinical testing. Allele origin: germline.
Comment: Absent from controls (or at extremely low frequency if recessive) in Genome Aggregation Database.;Multiple lines of computational evidence support a deleterious effect on the gene or gene product.